The following is an entry in ClinVar:

NM_001958.5(EEF1A2):c.-52G>A

Gene: EEF1A2 (eukaryotic translation elongation factor 1 alpha 2; minus strand). Cytogenetic location: 20q13.33.
Variant type: single nucleotide variant.
Coding change: c.-52G>A on transcript NM_001958.5 (MANE Select); 52 bases upstream of the start codon, G replaced by A.
Molecular consequence: 5 prime UTR variant.
Genome position (GRCh38, 1-based): chr20:63,497,815, C>T on the plus strand (G>A on the coding strand, the complement: EEF1A2 is on the minus strand). VCF-style: chr20-63497815-C-T. GRCh37 (hg19) VCF-style: chr20-62129168-C-T.
Identifiers: ClinVar variation 518209 (VCV000518209.1), dbSNP rs539410205, ClinGen allele CA9959226.
Genomic context (GRCh38, chr20:63,497,815, plus strand): 5'-CTTGCCCATTTTGCTGGGAGTGTGAGGGGCTGGCGGGACCCGGGGTGCTCTGGCTCAGGG[C>T]GAGGGGGGCTGCAGTGATTCTGTGGGGCCAGTGGTGGTGGGGAGACCGGTGATGGGGAGC-3'

ClinVar aggregate classification (germline): Likely benign (1 of 4 stars; one submission).

Allele frequency attached by ClinVar (database versions not stated): ExAC 0.00004; TOPMed 0.00004; gnomAD 0.00005; gnomAD exomes 0.00006; 1000 Genomes Project 30x 0.00016; 1000 Genomes Project 0.00020.
gnomAD v4.1: 60 of 1,582,528 alleles (0.0038%); highest among the groups gnomAD compares: African/African-American, 0.018%; no homozygotes.

Submission:

GeneDx
Classification: Likely benign. Last evaluated: 2017-06-29. Review status: criteria provided, single submitter. Criteria: GeneDx Variant Classification (06012015). Collection method: clinical testing. Allele origin: germline. Affected: yes.
Comment: This variant is considered likely benign or benign based on one or more of the following criteria: it is a conservative change, it occurs at a poorly conserved position in the protein, it is predicted to be benign by multiple in silico algorithms, and/or has population frequency not consistent with disease.